The following is an entry in ClinVar:

NM_000363.5(TNNI3):c.68C>T (p.Ser23Phe)

Gene: TNNI3 (troponin I3, cardiac type; minus strand). Cytogenetic location: 19q13.42.
Variant type: single nucleotide variant.
Coding change: c.68C>T on transcript NM_000363.5 (MANE Select); coding-DNA position 68, C replaced by T.
Protein change: p.Ser23Phe; replaces serine 23 with phenylalanine.
Molecular consequence: missense variant.
Genome position (GRCh38, 1-based): chr19:55,157,090, G>A on the plus strand (C>T on the coding strand, the complement: TNNI3 is on the minus strand). VCF-style: chr19-55157090-G-A. GRCh37 (hg19) VCF-style: chr19-55668458-G-A.
Other names: short protein forms S23F.
Identifiers: ClinVar variation 4756663 (VCV004756663.1).

ClinVar aggregate classification (germline): Uncertain significance (1 of 4 stars; one submission).

Conditions:
Cardiomyopathy (CMYO). Also called: Cardiomyopathies. Identifiers: Orphanet 167848, MedGen C0878544, MONDO:0004994, HP:0001638. Inheritance: Various modes of inheritance.

Submission:

Color Diagnostics, LLC DBA Color Health
Classification: Uncertain significance for Cardiomyopathy. Last evaluated: 2025-05-30. Review status: criteria provided, single submitter. Criteria: ACMG Guidelines, 2015. Collection method: clinical testing. Allele origin: germline.
Comment: This missense variant replaces serine with phenylalanine at codon 23 of the TNNI3 protein. Computational prediction suggests that this variant may not impact protein structure and function. To our knowledge, functional studies have not been reported for this variant. This variant has not been reported in individuals affected with TNNI3-related disorders in the literature. This variant has not been identified in the general population by the Genome Aggregation Database (gnomAD). The available evidence is insufficient to determine the role of this variant in disease conclusively. Therefore, this variant is classified as a Variant of Uncertain Significance.